The following is an entry in ClinVar:

ClinVar aggregate classification (germline): Uncertain significance (1 of 4 stars; one submission).

Conditions:
Dyskeratosis congenita. Identifiers: Orphanet 1775, MedGen C0265965, MONDO:0015780.

Allele frequency attached by ClinVar (database versions not stated): TOPMed below 0.00001; ExAC 0.00001.
gnomAD v4.1: 1 of 1,613,560 alleles (0.000062%); highest among the groups gnomAD compares: African/African-American, 0.0013%; no homozygotes.

Submission:

Labcorp Genetics (formerly Invitae), Labcorp
Classification: Uncertain significance for Dyskeratosis congenita. Last evaluated: 2022-01-13. Review status: criteria provided, single submitter. Criteria: Invitae Variant Classification Sherloc (09022015). Collection method: clinical testing. Allele origin: germline.
Comment: In summary, the available evidence is currently insufficient to determine the role of this variant in disease. Therefore, it has been classified as a Variant of Uncertain Significance. Algorithms developed to predict the effect of missense changes on protein structure and function (SIFT, PolyPhen-2, Align-GVGD) all suggest that this variant is likely to be tolerated. This variant has not been reported in the literature in individuals affected with CTC1-related conditions. This variant is present in population databases (rs779024546, gnomAD 0.007%). This sequence change replaces isoleucine, which is neutral and non-polar, with leucine, which is neutral and non-polar, at codon 1010 of the CTC1 protein (p.Ile1010Leu).

NM_025099.6(CTC1):c.3028A>C (p.Ile1010Leu)

Gene: CTC1 (CST telomere replication complex component 1; minus strand). Cytogenetic location: 17p13.1.
Variant type: single nucleotide variant.
Coding change: c.3028A>C on transcript NM_025099.6 (MANE Select); coding-DNA position 3028, A replaced by C.
Protein change: p.Ile1010Leu; replaces isoleucine 1010 with leucine.
Molecular consequence: missense variant. On other transcripts: non-coding transcript variant (1).
Genome position (GRCh38, 1-based): chr17:8,229,430, T>G on the plus strand (A>C on the coding strand, the complement: CTC1 is on the minus strand). VCF-style: chr17-8229430-T-G. GRCh37 (hg19) VCF-style: chr17-8132748-T-G.
Other names: c.3028A>C, p.Ile1010Leu (NM_001411067.1); short protein forms I1010L.
Identifiers: ClinVar variation 2083675 (VCV002083675.2), dbSNP rs779024546, ClinGen allele CA8371900.